The following is an entry in ClinVar:

ClinVar aggregate classification (germline): Uncertain significance (0 of 4 stars; one submission).

Conditions:
TTN-related disorder. Also called: TTN-related disorders; TTN-related condition; TTN-related disease.

gnomAD v4.1: 213 of 1,590,958 alleles (0.013%); highest among the groups gnomAD compares: Non-Finnish European, 0.018%; no homozygotes.

Submission:

PreventionGenetics, part of Exact Sciences
Classification: Uncertain significance for TTN-related condition. Last evaluated: 2024-05-15. Review status: no assertion criteria provided. Collection method: clinical testing. Allele origin: germline.
Comment: The TTN c.10486A>G variant is predicted to result in the amino acid substitution p.Ser3496Gly. To our knowledge, this variant has not been reported in the literature. This variant is reported in 0.0084% of alleles in individuals of European (Non-Finnish) descent in gnomAD. At this time, the clinical significance of this variant is uncertain due to the absence of conclusive functional and genetic evidence.

NM_001267550.2(TTN):c.11311+1210A>G

Gene: TTN (titin; minus strand). Cytogenetic location: 2q31.2.
Variant type: single nucleotide variant.
Coding change: c.11311+1210A>G on transcript NM_001267550.2 (MANE Select); 1210 bases into the intron after coding-DNA position 11311, A replaced by G.
Molecular consequence: intron variant. On other transcripts: missense variant (1).
Genome position (GRCh38, 1-based): chr2:178,751,914, T>C on the plus strand (A>G on the coding strand, the complement: TTN is on the minus strand). VCF-style: chr2-178751914-T-C. GRCh37 (hg19) VCF-style: chr2-179616641-T-C.
Other names: c.10798+1210A>G (NM_133437.4); c.10597+1210A>G (NM_133432.3); c.10360+1210A>G (NM_133378.4, NM_001256850.1); c.10486A>G, p.Ser3496Gly (NM_133379.5); c.10222+1210A>G (NM_003319.4); short protein forms S3496G.
Identifiers: ClinVar variation 3349498 (VCV003349498.1).